The following is an entry in ClinVar:

ClinVar aggregate classification (germline): Uncertain significance (1 of 4 stars; one submission).

Conditions:
Inborn genetic diseases. Identifiers: MedGen C0950123, MeSH D030342.

Submission:

Ambry Genetics
Classification: Uncertain significance for Inborn genetic diseases. Last evaluated: 2026-08-10. Review status: criteria provided, single submitter. Criteria: Ambry Variant Classification Scheme 2023. Collection method: clinical testing. Allele origin: germline.
Comment: The p.Q219H variant (also known as c.657G>C), located in coding exon 5 of the MIB1 gene, results from a G to C substitution at nucleotide position 657. The glutamine at codon 219 is replaced by histidine, an amino acid with highly similar properties. This amino acid position is conserved. In addition, the in silico prediction for this alteration is inconclusive. Based on the available evidence, the clinical significance of this variant remains unclear.

NM_020774.4(MIB1):c.657G>C (p.Gln219His)

Gene: MIB1 (MIB E3 ubiquitin protein ligase 1; plus strand). Cytogenetic location: 18q11.2.
Variant type: single nucleotide variant.
Coding change: c.657G>C on transcript NM_020774.4 (MANE Select); coding-DNA position 657, G replaced by C.
Protein change: p.Gln219His; replaces glutamine 219 with histidine.
Molecular consequence: missense variant.
Genome position (GRCh38, 1-based): chr18:21,778,123, G>C. VCF-style: chr18-21778123-G-C. GRCh37 (hg19) VCF-style: chr18-19358084-G-C.
Other names: short protein forms Q219H.
Identifiers: ClinVar variation 5024455 (VCV005024455.1).
Genomic context (GRCh38, chr18:21,778,123, plus strand): 5'-AAGTTTCATGGGTGATTTTTCTGGTTTCTTTTCTTCTTAGTCTGATCTGAAATGTGTCCA[G>C]GATGCCAAGGGAGGTTCTTTCTACAGAGATCACTGCCCTGTGCTAGGTGAGTGAGAAGAT-3'
Protein context (NP_065825.1, residues 209-229): FEGMSDLKCV[Gln219His]DAKGGSFYRD